The following is an entry in ClinVar:

NM_000400.4(ERCC2):c.1991T>C (p.Val664Ala)

Gene: ERCC2 (ERCC excision repair 2, TFIIH core complex helicase subunit; minus strand). Cytogenetic location: 19q13.32.
Variant type: single nucleotide variant.
Coding change: c.1991T>C on transcript NM_000400.4 (MANE Select); coding-DNA position 1991, T replaced by C.
Protein change: p.Val664Ala; replaces valine 664 with alanine.
Molecular consequence: missense variant.
Genome position (GRCh38, 1-based): chr19:45,352,561, A>G on the plus strand (T>C on the coding strand, the complement: ERCC2 is on the minus strand). VCF-style: chr19-45352561-A-G. GRCh37 (hg19) VCF-style: chr19-45855819-A-G.
Other names: short protein forms V664A.
Identifiers: ClinVar variation 2176736 (VCV002176736.4), dbSNP rs1435353438, ClinGen allele CA406363065.

ClinVar aggregate classification (germline): Uncertain significance (1 of 4 stars; one submission).

Allele frequency attached by ClinVar (database versions not stated): gnomAD exomes below 0.00001.
gnomAD v4.1: 2 of 1,614,106 alleles (0.00012%); highest among the groups gnomAD compares: Non-Finnish European, 0.00017%; no homozygotes.

Submission:

Labcorp Genetics (formerly Invitae), Labcorp
Classification: Uncertain significance. Last evaluated: 2025-11-17. Review status: criteria provided, single submitter. Criteria: Invitae Variant Classification Sherloc (09022015). Collection method: clinical testing. Allele origin: germline.
Comment: This sequence change replaces valine, which is neutral and non-polar, with alanine, which is neutral and non-polar, at codon 664 of the ERCC2 protein (p.Val664Ala). This variant is present in population databases (no rsID available, gnomAD 0.0009%). This variant has not been reported in the literature in individuals affected with ERCC2-related conditions. ClinVar contains an entry for this variant (Variation ID: 2176736). Invitae Evidence Modeling of protein sequence and biophysical properties (such as structural, functional, and spatial information, amino acid conservation, physicochemical variation, residue mobility, and thermodynamic stability) indicates that this missense variant is not expected to disrupt ERCC2 protein function with a negative predictive value of 80%. In summary, the available evidence is currently insufficient to determine the role of this variant in disease. Therefore, it has been classified as a Variant of Uncertain Significance.